The following is an entry in ClinVar:

NM_000245.4(MET):c.3324T>A (p.Ala1108=)

Gene: MET (MET proto-oncogene, receptor tyrosine kinase; plus strand). Cytogenetic location: 7q31.2.
Variant type: single nucleotide variant.
Coding change: c.3324T>A on transcript NM_000245.4 (MANE Select); coding-DNA position 3324, T replaced by A.
Protein change: p.Ala1108=; no amino-acid change (alanine 1108 retained).
Molecular consequence: synonymous variant.
Genome position (GRCh38, 1-based): chr7:116,777,453, T>A. VCF-style: chr7-116777453-T-A. GRCh37 (hg19) VCF-style: chr7-116417507-T-A.
Other names: c.3378T>A, p.Ala1126= (NM_001127500.3); c.2034T>A, p.Ala678= (NM_001324402.2).
Identifiers: ClinVar variation 3773051 (VCV003773051.1).

ClinVar aggregate classification (germline): Benign (1 of 4 stars; one submission).

Conditions:
Papillary renal cell carcinoma type 1 (RCCP1). Also called: Renal adenocarcinoma; Renal cell carcinoma 1; Renal cell carcinoma, somatic; RENAL CELL CARCINOMA, PAPILLARY, 1, SOMATIC. Identifiers: Orphanet 47044, MedGen C1336839, OMIM 605074, HP:0011797.

Submission:

Myriad Genetics, Inc.
Classification: Benign for Papillary renal cell carcinoma type 1. Last evaluated: 2024-11-13. Review status: criteria provided, single submitter. Criteria: Myriad Autosomal Dominant, Autosomal Recessive and X-Linked Classification Criteria (2023). Collection method: clinical testing. Allele origin: unknown.
Comment: This variant is considered benign. This variant is a silent/synonymous amino acid change and it is not expected to impact splicing.